The following is an entry in ClinVar:

ClinVar aggregate classification (germline): Pathogenic. Review status: criteria provided, single submitter (1 of 4 stars). 2 submissions from 2 submitters: Pathogenic (1). 1 of the submissions does not count toward it. Last evaluated 2020-10-16.

Conditions:
DNMT3A-related disorder. Also called: DNMT3A-related condition; DNMT3A-related disorders.

Submissions (2):

Greenwood Genetic Center Diagnostic Laboratories, Greenwood Genetic Center
Classification: Pathogenic. Last evaluated: 2020-10-16. Review status: criteria provided, single submitter. Criteria: ACMG Guidelines, 2015. Collection method: clinical testing. Allele origin: germline. Affected: yes.

PreventionGenetics, part of Exact Sciences
Classification: Uncertain significance for DNMT3A-related condition. Last evaluated: 2024-09-27. Review status: no assertion criteria provided. Collection method: clinical testing. Allele origin: germline. Not counted in ClinVar's aggregate classification.
Comment: The DNMT3A c.2726T>C variant is predicted to result in the amino acid substitution p.Phe909Ser. This variant has been reported to occur in clonal hematopoiesis of indeterminate potential (CHIP) (Table S1, Scheidt et al. 2023. PubMed ID: 37546840). This variant has not been reported in a large population database, indicating this variant is rare. At this time, the clinical significance of this variant is uncertain due to the absence of conclusive functional and genetic evidence.

NM_022552.5(DNMT3A):c.2726T>C (p.Phe909Ser)

Gene: DNMT3A (DNA methyltransferase 3 alpha; minus strand). Cytogenetic location: 2p23.3.
Variant type: single nucleotide variant.
Coding change: c.2726T>C on transcript NM_022552.5 (MANE Select); coding-DNA position 2726, T replaced by C.
Protein change: p.Phe909Ser; replaces phenylalanine 909 with serine.
Molecular consequence: missense variant. On other transcripts: non-coding transcript variant (1).
Genome position (GRCh38, 1-based): chr2:25,234,292, A>G on the plus strand (T>C on the coding strand, the complement: DNMT3A is on the minus strand). VCF-style: chr2-25234292-A-G. GRCh37 (hg19) VCF-style: chr2-25457161-A-G.
Other names: c.2270T>C, p.Phe757Ser (NM_001320893.1); c.2057T>C, p.Phe686Ser (NM_001375819.1); c.2159T>C, p.Phe720Ser (NM_153759.3); c.2726T>C, p.Phe909Ser (NM_175629.2); short protein forms F686S, F720S, F757S, F909S.
Identifiers: ClinVar variation 992315 (VCV000992315.4), dbSNP rs1673065619, ClinGen allele CA346068018.